The following is an entry in ClinVar:

NM_005612.5(REST):c.2813A>G (p.His938Arg)

Gene: REST (RE1 silencing transcription factor; plus strand). Cytogenetic location: 4q12.
Variant type: single nucleotide variant.
Coding change: c.2813A>G on transcript NM_005612.5 (MANE Select); coding-DNA position 2813, A replaced by G.
Protein change: p.His938Arg; replaces histidine 938 with arginine.
Molecular consequence: missense variant.
Genome position (GRCh38, 1-based): chr4:56,931,671, A>G. VCF-style: chr4-56931671-A-G. GRCh37 (hg19) VCF-style: chr4-57797837-A-G.
Other names: c.2813A>G, p.His938Arg (NM_001193508.2, NM_001363453.3); short protein forms H938R.
Identifiers: ClinVar variation 1014363 (VCV001014363.32), dbSNP rs762533235, ClinGen allele CA2932560.

ClinVar aggregate classification (germline): Uncertain significance. Review status: criteria provided, multiple submitters, no conflicts (2 of 4 stars). 2 submissions from 2 submitters: Uncertain significance (2). Last evaluated 2024-02-16.

Allele frequency attached by ClinVar (database versions not stated): gnomAD exomes below 0.00001 and 0.00001; ExAC 0.00002.

Submissions (2):

Labcorp Genetics (formerly Invitae), Labcorp
Classification: Uncertain significance. Last evaluated: 2024-02-16. Review status: criteria provided, single submitter. Criteria: Invitae Variant Classification Sherloc (09022015). Collection method: clinical testing. Allele origin: germline.
Comment: This sequence change replaces histidine, which is basic and polar, with arginine, which is basic and polar, at codon 938 of the REST protein (p.His938Arg). This variant is present in population databases (rs762533235, gnomAD 0.003%). This variant has not been reported in the literature in individuals affected with REST-related conditions. ClinVar contains an entry for this variant (Variation ID: 1014363). Algorithms developed to predict the effect of missense changes on protein structure and function output the following: SIFT: "Not Available"; PolyPhen-2: "Benign"; Align-GVGD: "Not Available". The arginine amino acid residue is found in multiple mammalian species, which suggests that this missense change does not adversely affect protein function. In summary, the available evidence is currently insufficient to determine the role of this variant in disease. Therefore, it has been classified as a Variant of Uncertain Significance.

CeGaT Center for Human Genetics Tuebingen
Classification: Uncertain significance. Last evaluated: 2023-04-01. Review status: criteria provided, single submitter. Criteria: CeGaT Center For Human Genetics Tuebingen Variant Classification Criteria Version 2. Collection method: clinical testing. Allele origin: germline. Affected: yes. Observed: 1 variant allele.
Comment: REST: PM2, BP4